The following is an entry in ClinVar:

ClinVar aggregate classification (germline): Pathogenic (1 of 4 stars; one submission).

Submission:

CeGaT Center for Human Genetics Tuebingen
Classification: Pathogenic. Last evaluated: 2025-09-01. Review status: criteria provided, single submitter. Criteria: CeGaT Center For Human Genetics Tuebingen Variant Classification Criteria Version 2. Collection method: clinical testing. Allele origin: germline. Affected: yes. Observed: 1 variant allele.
Comment: STAG2: PVS1, PM2

NM_001042750.2(STAG2):c.483del (p.Thr162fs)

Gene: STAG2 (STAG2 cohesin complex component; plus strand). Cytogenetic location: Xq25.
Variant type: Deletion.
Coding change: c.483del on transcript NM_001042750.2 (MANE Select); coding-DNA position 483, one base deleted (T; older notation c.483delT).
Protein change: p.Thr162fs; shifts the reading frame from threonine 162.
Molecular consequence: frameshift variant.
Genome position (GRCh38, 1-based): chrX:124,045,184, T deleted; the last of 2 consecutive T bases (chrX:124,045,183-124,045,184); deleting either gives the same sequence. VCF-style (leftmost placement, unchanged base first): chrX-124045182-CT-C. GRCh37 (hg19) VCF-style: chrX-123179032-CT-C.
Other names: c.483del, p.Thr162fs (NM_001042749.2, NM_001042751.2, NM_001282418.2 and 23 more transcripts); short protein forms T162fs.
Identifiers: ClinVar variation 4281444 (VCV004281444.7).